The following is an entry in ClinVar:

ClinVar aggregate classification (germline): Uncertain significance. Review status: criteria provided, multiple submitters, no conflicts (2 of 4 stars). 4 submissions from 4 submitters: Uncertain significance (3). 1 of the submissions does not count toward it. Last evaluated 2022-07-05.

Conditions:
ADSL-related disorder. Also called: ADSL-related condition.
Adenylosuccinate lyase deficiency (ADSLD). Also called: ADSL DEFICIENCY. Identifiers: Orphanet 46, MedGen C0268126, MONDO:0007068, OMIM 103050.

Allele frequency attached by ClinVar (database versions not stated): TOPMed 0.00002.

Submissions (4):

Labcorp Genetics (formerly Invitae), Labcorp
Classification: Uncertain significance for Adenylosuccinate lyase deficiency. Last evaluated: 2022-07-05. Review status: criteria provided, single submitter. Criteria: Invitae Variant Classification Sherloc (09022015). Collection method: clinical testing. Allele origin: germline.
Comment: This sequence change replaces arginine, which is basic and polar, with tryptophan, which is neutral and slightly polar, at codon 371 of the ADSL protein (p.Arg371Trp). This variant is present in population databases (no rsID available, gnomAD 0.009%). This variant has not been reported in the literature in individuals affected with ADSL-related conditions. ClinVar contains an entry for this variant (Variation ID: 459613). Advanced modeling of protein sequence and biophysical properties (such as structural, functional, and spatial information, amino acid conservation, physicochemical variation, residue mobility, and thermodynamic stability) performed at Invitae indicates that this missense variant is expected to disrupt ADSL protein function. In summary, the available evidence is currently insufficient to determine the role of this variant in disease. Therefore, it has been classified as a Variant of Uncertain Significance.

GeneDx
Classification: Uncertain significance. Last evaluated: 2022-03-18. Review status: criteria provided, single submitter. Criteria: GeneDx Variant Classification Process June 2021. Collection method: clinical testing. Allele origin: germline. Affected: yes.
Comment: Not observed at significant frequency in large population cohorts (gnomAD); In silico analysis supports that this missense variant has a deleterious effect on protein structure/function; Has not been previously published as pathogenic or benign to our knowledge

Blueprint Genetics
Classification: Uncertain significance. Last evaluated: 2019-04-29. Review status: criteria provided, single submitter. Criteria: ACMG Guidelines, 2015. Collection method: clinical testing. Allele origin: germline.

PreventionGenetics, part of Exact Sciences
Classification: Uncertain significance for ADSL-related condition. Last evaluated: 2024-04-18. Review status: no assertion criteria provided. Collection method: clinical testing. Allele origin: germline. Not counted in ClinVar's aggregate classification.
Comment: The ADSL c.1111C>T variant is predicted to result in the amino acid substitution p.Arg371Trp. To our knowledge, this variant has not been reported in the literature. This variant is reported in 0.0087% of alleles in individuals of Latino descent in gnomAD. At this time, the clinical significance of this variant is uncertain due to the absence of conclusive functional and genetic evidence.

NM_000026.4(ADSL):c.1111C>T (p.Arg371Trp)

Gene: ADSL (adenylosuccinate lyase; plus strand). Cytogenetic location: 22q13.1.
Variant type: single nucleotide variant.
Coding change: c.1111C>T on transcript NM_000026.4 (MANE Select); coding-DNA position 1111, C replaced by T.
Protein change: p.Arg371Trp; replaces arginine 371 with tryptophan.
Molecular consequence: missense variant. On other transcripts: non-coding transcript variant (1).
Genome position (GRCh38, 1-based): chr22:40,364,285, C>T. VCF-style: chr22-40364285-C-T. GRCh37 (hg19) VCF-style: chr22-40760289-C-T.
Other names: c.1111C>T, p.Arg371Trp (NM_001123378.3, NM_001363840.3); c.919C>T, p.Arg307Trp (NM_001317923.2); c.1111C>T (NM_000026.3); short protein forms R371W, R307W.
Identifiers: ClinVar variation 459613 (VCV000459613.9), dbSNP rs777359946, ClinGen allele CA324460176.